The following is an entry in ClinVar:

ClinVar aggregate classification (germline): Likely benign (1 of 4 stars; one submission).

Conditions:
ADCY3-related disorder. Also called: ADCY3-related condition.

gnomAD v4.1: 1 of 1,613,556 alleles (0.000062%); highest among the groups gnomAD compares: South Asian, 0.0011%; no homozygotes.

Submission:

PreventionGenetics, part of Exact Sciences
Classification: Likely benign for ADCY3-related condition. Last evaluated: 2025-10-06. Review status: criteria provided, single submitter. Criteria: ACMG Guidelines, 2015. Collection method: clinical testing. Allele origin: germline.
Comment: This variant is classified as likely benign based on ACMG/AMP sequence variant interpretation guidelines (Richards et al. 2015 PMID: 25741868, with internal and published modifications).

NM_004036.5(ADCY3):c.1806-5T>C

Gene: ADCY3 (adenylate cyclase 3; minus strand). Cytogenetic location: 2p23.3.
Variant type: single nucleotide variant.
Coding change: c.1806-5T>C on transcript NM_004036.5 (MANE Select); 5 bases into the intron before coding-DNA position 1806, T replaced by C.
Molecular consequence: intron variant.
Genome position (GRCh38, 1-based): chr2:24,834,651, A>G on the plus strand (T>C on the coding strand, the complement: ADCY3 is on the minus strand). VCF-style: chr2-24834651-A-G. GRCh37 (hg19) VCF-style: chr2-25057520-A-G.
Other names: c.1806-5T>C (NM_001377130.1, NM_001377129.1, NM_001320613.2 and 1 more transcripts); c.1872-5T>C (NM_001377128.1); c.1083-5T>C (NM_001377131.1).
Identifiers: ClinVar variation 4995007 (VCV004995007.1).